The following is an entry in ClinVar:

NM_015910.7(WDPCP):c.1049A>G (p.Asp350Gly)

Gene: WDPCP (WD repeat containing planar cell polarity effector; minus strand). Cytogenetic location: 2p15.
Variant type: single nucleotide variant.
Coding change: c.1049A>G on transcript NM_015910.7 (MANE Select); coding-DNA position 1049, A replaced by G.
Protein change: p.Asp350Gly; replaces aspartic acid 350 with glycine.
Molecular consequence: missense variant. On other transcripts: non-coding transcript variant (3).
Genome position (GRCh38, 1-based): chr2:63,404,434, T>C on the plus strand (A>G on the coding strand, the complement: WDPCP is on the minus strand). VCF-style: chr2-63404434-T-C. GRCh37 (hg19) VCF-style: chr2-63631569-T-C.
Other names: c.1049A>G, p.Asp350Gly (NM_001354045.2); c.572A>G, p.Asp191Gly (NM_001042692.3); c.977A>G, p.Asp326Gly (NM_001354044.2); short protein forms D326G, D350G, D191G.
Identifiers: ClinVar variation 1370688 (VCV001370688.6), dbSNP rs1469275937, ClinGen allele CA347065247.

ClinVar aggregate classification (germline): Uncertain significance (1 of 4 stars; one submission).

Conditions:
Bardet-Biedl syndrome (BBS). Identifiers: Orphanet 110, MedGen C0752166, MONDO:0015229.

Allele frequency attached by ClinVar (database versions not stated): TOPMed below 0.00001; gnomAD 0.00001.
gnomAD v4.1: 1 of 1,614,066 alleles (0.000062%); highest among the groups gnomAD compares: Non-Finnish European, 0.000085%; no homozygotes.

Submission:

Labcorp Genetics (formerly Invitae), Labcorp
Classification: Uncertain significance for Bardet-Biedl syndrome. Last evaluated: 2022-06-20. Review status: criteria provided, single submitter. Criteria: Invitae Variant Classification Sherloc (09022015). Collection method: clinical testing. Allele origin: germline.
Comment: Algorithms developed to predict the effect of missense changes on protein structure and function are either unavailable or do not agree on the potential impact of this missense change (SIFT: "Tolerated"; PolyPhen-2: "Probably Damaging"; Align-GVGD: "Class C0"). This variant has not been reported in the literature in individuals affected with WDPCP-related conditions. This variant is not present in population databases (gnomAD no frequency). This sequence change replaces aspartic acid, which is acidic and polar, with glycine, which is neutral and non-polar, at codon 350 of the WDPCP protein (p.Asp350Gly). In summary, the available evidence is currently insufficient to determine the role of this variant in disease. Therefore, it has been classified as a Variant of Uncertain Significance.